The following is an entry in ClinVar:

NM_000245.4(MET):c.1561A>G (p.Arg521Gly)

Gene: MET (MET proto-oncogene, receptor tyrosine kinase; plus strand). Cytogenetic location: 7q31.2.
Variant type: single nucleotide variant.
Coding change: c.1561A>G on transcript NM_000245.4 (MANE Select); coding-DNA position 1561, A replaced by G.
Protein change: p.Arg521Gly; replaces arginine 521 with glycine.
Molecular consequence: missense variant.
Genome position (GRCh38, 1-based): chr7:116,740,885, A>G. VCF-style: chr7-116740885-A-G. GRCh37 (hg19) VCF-style: chr7-116380939-A-G.
Other names: c.1561A>G, p.Arg521Gly (NM_001127500.3, NM_001324401.3); c.271A>G, p.Arg91Gly (NM_001324402.2); short protein forms R91G, R521G.
Identifiers: ClinVar variation 1383019 (VCV001383019.9), dbSNP rs1176112251, ClinGen allele CA368975095.

ClinVar aggregate classification (germline): Conflicting classifications of pathogenicity. Review status: criteria provided, conflicting classifications (1 of 4 stars). 2 submissions from 2 submitters: Uncertain significance (1); Likely benign (1). Last evaluated 2025-01-27.

Conditions:
Hereditary cancer-predisposing syndrome. Also called: Tumor predisposition; Neoplastic Syndromes, Hereditary; Hereditary Cancer Syndrome; Hereditary neoplastic syndrome. Identifiers: Orphanet 140162, MedGen C0027672, MeSH D009386, MONDO:0015356.
Renal cell carcinoma. Identifiers: Orphanet 217071, MedGen C0007134, MeSH D002292, MONDO:0005086, HP:0005584.

Allele frequency attached by ClinVar (database versions not stated): gnomAD exomes below 0.00001.
gnomAD v4.1: 4 of 1,614,126 alleles (0.00025%); highest among the groups gnomAD compares: South Asian, 0.0033%; no homozygotes.

Submissions (2):

Ambry Genetics
Classification: Likely benign for Hereditary cancer-predisposing syndrome. Last evaluated: 2025-01-27. Review status: criteria provided, single submitter. Criteria: Ambry Variant Classification Scheme 2023. Collection method: clinical testing. Allele origin: germline.

Labcorp Genetics (formerly Invitae), Labcorp
Classification: Uncertain significance for Renal cell carcinoma. Last evaluated: 2024-12-10. Review status: criteria provided, single submitter. Criteria: Invitae Variant Classification Sherloc (09022015). Collection method: clinical testing. Allele origin: germline.
Comment: This sequence change replaces arginine, which is basic and polar, with glycine, which is neutral and non-polar, at codon 521 of the MET protein (p.Arg521Gly). This variant is present in population databases (no rsID available, gnomAD 0.003%). This variant has not been reported in the literature in individuals affected with MET-related conditions. ClinVar contains an entry for this variant (Variation ID: 1383019). Invitae Evidence Modeling of protein sequence and biophysical properties (such as structural, functional, and spatial information, amino acid conservation, physicochemical variation, residue mobility, and thermodynamic stability) indicates that this missense variant is not expected to disrupt MET protein function with a negative predictive value of 80%. In summary, the available evidence is currently insufficient to determine the role of this variant in disease. Therefore, it has been classified as a Variant of Uncertain Significance.